The following is an entry in ClinVar:

ClinVar aggregate classification (germline): Pathogenic (1 of 4 stars; one submission).

Conditions:
Myofibrillar myopathy 5. Also called: Filaminopathy (type); FILAMINOPATHY, AUTOSOMAL DOMINANT. Identifiers: Orphanet 171445, MedGen C1836050, MONDO:0012289, OMIM 609524.
Distal myopathy with posterior leg and anterior hand involvement. Also called: WILLIAMS DISTAL MYOPATHY. Identifiers: Orphanet 63273, MedGen C3279722, MONDO:0013550, OMIM 614065.
Hypertrophic cardiomyopathy 26. Also called: Cardiomyopathy, familial hypertrophic, 26. Identifiers: Orphanet 75249, MedGen C4310749, MONDO:0014883, OMIM 617047.

Submission:

Labcorp Genetics (formerly Invitae), Labcorp
Classification: Pathogenic for Distal myopathy with posterior leg and anterior hand involvement; Myofibrillar myopathy 5; Hypertrophic cardiomyopathy 26. Last evaluated: 2023-12-04. Review status: criteria provided, single submitter. Criteria: Invitae Variant Classification Sherloc (09022015). Collection method: clinical testing. Allele origin: germline.
Comment: This sequence change creates a premature translational stop signal (p.Tyr730*) in the FLNC gene. It is expected to result in an absent or disrupted protein product. Loss-of-function variants in FLNC are known to be pathogenic (PMID: 27908349). This variant is not present in population databases (gnomAD no frequency). This premature translational stop signal has been observed in individual(s) with cardiomyopathy or sudden cardiac death (PMID: 34587765). For these reasons, this variant has been classified as Pathogenic.

Literature cited by the submitters: PubMed 27908349; PubMed 34587765.

NM_001458.5(FLNC):c.2190_2192del (p.Tyr730_Val731delinsTer)

Gene: FLNC (filamin C; plus strand). Cytogenetic location: 7q32.1.
Variant type: Deletion.
Coding change: c.2190_2192del on transcript NM_001458.5 (MANE Select); coding-DNA positions 2190 to 2192, 3 bases deleted (CGT; older notation c.2190_2192delCGT).
Protein change: p.Tyr730_Val731delinsTer.
Molecular consequence: nonsense.
Genome position (GRCh38, 1-based): chr7:128,842,299-128,842,301, CGT deleted. VCF-style (leftmost placement, unchanged base first): chr7-128842298-ACGT-A. GRCh37 (hg19) VCF-style: chr7-128482352-ACGT-A.
Other names: c.2190_2192del, p.Tyr730_Val731delinsTer (NM_001127487.2).
Identifiers: ClinVar variation 2950836 (VCV002950836.3), dbSNP rs2536630484, ClinGen allele CA2740097558.
Genomic context (GRCh38, chr7:128,842,298, plus strand): 5'-ACGGCTGTCCCATCGACATCAAGGTGATCCCCAACGGCGACGGCACCTTCCGCTGCTCCT[ACGT>A]GCCCACCAAGCCCATTAAGCACACCATCATCATCTCCTGGGGAGGCGTAAACGTGCCCAA-3'